The following is an entry in ClinVar:

NM_198253.3(TERT):c.185C>G (p.Ala62Gly)

Genes: TERT (telomerase reverse transcriptase; minus strand), LOC110806263 (TERT 5' regulatory region; plus strand). Cytogenetic location: 5p15.33.
Variant type: single nucleotide variant.
Coding change: c.185C>G on transcript NM_198253.3 (MANE Select); coding-DNA position 185, C replaced by G.
Protein change: p.Ala62Gly; replaces alanine 62 with glycine.
Molecular consequence: missense variant. On other transcripts: non-coding transcript variant (2).
Genome position (GRCh38, 1-based): chr5:1,294,805, G>C on the plus strand (C>G on the coding strand, the complement: TERT is on the minus strand). VCF-style: chr5-1294805-G-C. GRCh37 (hg19) VCF-style: chr5-1294920-G-C.
Other names: c.185C>G, p.Ala62Gly (NM_001193376.3, NM_003219.1); short protein forms A62G.
Identifiers: ClinVar variation 3238525 (VCV003238525.1), dbSNP rs2478432973.

ClinVar aggregate classification (germline): Uncertain significance (1 of 4 stars; one submission).

Conditions:
Dyskeratosis congenita. Identifiers: Orphanet 1775, MedGen C0265965, MONDO:0015780.

Submission:

Ambry Genetics
Classification: Uncertain significance for Dyskeratosis congenita. Last evaluated: 2023-05-31. Review status: criteria provided, single submitter. Criteria: Ambry Variant Classification Scheme 2023. Collection method: clinical testing. Allele origin: germline.
Comment: The p.A62G variant (also known as c.185C>G), located in coding exon 1 of the TERT gene, results from a C to G substitution at nucleotide position 185. The alanine at codon 62 is replaced by glycine, an amino acid with similar properties. This amino acid position is conserved. In addition, this alteration is predicted to be tolerated by in silico analysis. Since supporting evidence is limited at this time, the clinical significance of this alteration remains unclear.